The following is an entry in ClinVar:

NM_000059.4(BRCA2):c.6081A>G (p.Arg2027=)

Gene: BRCA2 (BRCA2 DNA repair associated; plus strand). Cytogenetic location: 13q13.1.
Variant type: single nucleotide variant.
Coding change: c.6081A>G on transcript NM_000059.4 (MANE Select); coding-DNA position 6081, A replaced by G.
Protein change: p.Arg2027=; no amino-acid change (arginine 2027 retained).
Molecular consequence: synonymous variant. On other transcripts: non-coding transcript variant (1), intron variant (2).
Genome position (GRCh38, 1-based): chr13:32,340,436, A>G. VCF-style: chr13-32340436-A-G. GRCh37 (hg19) VCF-style: chr13-32914573-A-G.
Other names: c.6081A>G, p.Arg2027= (NM_001406719.1, NM_001406720.1); c.1910-4122A>G (NM_001406721.1); c.425-4122A>G (NM_001406722.1).
Identifiers: ClinVar variation 1751454 (VCV001751454.3), dbSNP rs2137524035, ClinGen allele CA483439150.

ClinVar aggregate classification (germline): Likely benign. Review status: criteria provided, multiple submitters, no conflicts (2 of 4 stars). 2 submissions from 2 submitters: Likely benign (2). Last evaluated 2023-12-13.

Conditions:
Hereditary cancer-predisposing syndrome. Also called: Neoplastic Syndromes, Hereditary; Tumor predisposition; Hereditary neoplastic syndrome; Hereditary Cancer Syndrome. Identifiers: Orphanet 140162, MedGen C0027672, MeSH D009386, MONDO:0015356.
Breast-ovarian cancer, familial, susceptibility to, 2 (BROVCA2). Also called: BRCA2 Hereditary Breast and Ovarian Cancer. Identifiers: Orphanet 145, MedGen C2675520, MONDO:0012933, OMIM 612555. Disease mechanism: loss of function.

Allele frequency attached by ClinVar (database versions not stated): gnomAD exomes below 0.00001.
gnomAD v4.1: 1 of 1,613,888 alleles (0.000062%); highest among the groups gnomAD compares: Non-Finnish European, 0.000085%; no homozygotes.

Submissions (2):

All of Us Research Program, National Institutes of Health
Classification: Likely benign for Breast-ovarian cancer, familial, susceptibility to, 2. Last evaluated: 2023-12-13. Review status: criteria provided, single submitter. Criteria: ACMG Guidelines, 2015. Collection method: clinical testing. Allele origin: germline. Inheritance: Autosomal dominant inheritance. Observed: 1 variant allele, 1 heterozygote.
Comment: This study involves interpretation of variants in research participants for the purpose of population health screening. Participant phenotype was not available at the time of variant classification. Additional details can be found in publication PMID: 35346344, PMCID: PMC8962531

Ambry Genetics
Classification: Likely benign for Hereditary cancer-predisposing syndrome. Last evaluated: 2021-03-04. Review status: criteria provided, single submitter. Criteria: Ambry Variant Classification Scheme 2023. Collection method: clinical testing. Allele origin: germline.